The following is an entry in ClinVar:

ClinVar aggregate classification (germline): Uncertain significance (1 of 4 stars; one submission).

Submission:

Labcorp Genetics (formerly Invitae), Labcorp
Classification: Uncertain significance. Last evaluated: 2022-08-03. Review status: criteria provided, single submitter. Criteria: Invitae Variant Classification Sherloc (09022015). Collection method: clinical testing. Allele origin: germline.
Comment: In summary, the available evidence is currently insufficient to determine the role of this variant in disease. Therefore, it has been classified as a Variant of Uncertain Significance. Algorithms developed to predict the effect of sequence changes on RNA splicing suggest that this variant may disrupt the consensus splice site. This variant has not been reported in the literature in individuals affected with KCNH1-related conditions. This variant is not present in population databases (gnomAD no frequency). This sequence change affects a donor splice site in intron 5 of the KCNH1 gene. It is expected to disrupt RNA splicing. Variants that disrupt the donor or acceptor splice site typically lead to a loss of protein function (PMID: 16199547), however the current clinical and genetic evidence is not sufficient to establish whether loss-of-function variants in KCNH1 cause disease.

Literature cited by the submitters: PubMed 16199547.

NM_172362.3(KCNH1):c.558+1G>A

Gene: KCNH1 (potassium voltage-gated channel subfamily H member 1; minus strand). Cytogenetic location: 1q32.2.
Variant type: single nucleotide variant.
Coding change: c.558+1G>A on transcript NM_172362.3 (MANE Select); the canonical splice donor site of the intron after coding-DNA position 558, G replaced by A.
Molecular consequence: splice donor variant.
Genome position (GRCh38, 1-based): chr1:211,082,779, C>T on the plus strand (G>A on the coding strand, the complement: KCNH1 is on the minus strand). VCF-style: chr1-211082779-C-T. GRCh37 (hg19) VCF-style: chr1-211256121-C-T.
Other names: c.558+1G>A (NM_002238.4).
Identifiers: ClinVar variation 2021264 (VCV002021264.4), dbSNP rs2526782320, ClinGen allele CA344874927.